The following is an entry in ClinVar:

NM_000088.4(COL1A1):c.1559A>G (p.Lys520Arg)

Gene: COL1A1 (collagen type I alpha 1 chain; minus strand). Cytogenetic location: 17q21.33.
Variant type: single nucleotide variant.
Coding change: c.1559A>G on transcript NM_000088.4 (MANE Select); coding-DNA position 1559, A replaced by G.
Protein change: p.Lys520Arg; replaces lysine 520 with arginine.
Molecular consequence: missense variant.
Genome position (GRCh38, 1-based): chr17:50,194,404, T>C on the plus strand (A>G on the coding strand, the complement: COL1A1 is on the minus strand). VCF-style: chr17-50194404-T-C. GRCh37 (hg19) VCF-style: chr17-48271765-T-C.
Other names: short protein forms K520R.
Identifiers: ClinVar variation 1441799 (VCV001441799.6), dbSNP rs2144571197, ClinGen allele CA400216685.

ClinVar aggregate classification (germline): Uncertain significance (1 of 4 stars; one submission).

Conditions:
Osteogenesis imperfecta type I (OI1). Also called: Classic Non-deforming Osteogenesis Imperfecta with Blue Sclerae; Lobstein's Disease; Lobstein disease; OI, TYPE I; OSTEOGENESIS IMPERFECTA TARDA; OSTEOGENESIS IMPERFECTA WITH BLUE SCLERAE. Identifiers: Orphanet 216796, Orphanet 666, MedGen C0023931, MONDO:0008146, OMIM 166200. Disease mechanism: loss of function.

Allele frequency attached by ClinVar (database versions not stated): gnomAD exomes 0.00001.
gnomAD v4.1: 3 of 1,613,832 alleles (0.00019%); highest among the groups gnomAD compares: Admixed American, 0.0033%; no homozygotes.

Submission:

Labcorp Genetics (formerly Invitae), Labcorp
Classification: Uncertain significance for Osteogenesis imperfecta type I. Last evaluated: 2024-10-28. Review status: criteria provided, single submitter. Criteria: Invitae Variant Classification Sherloc (09022015). Collection method: clinical testing. Allele origin: germline.
Comment: This sequence change replaces lysine, which is basic and polar, with arginine, which is basic and polar, at codon 520 of the COL1A1 protein (p.Lys520Arg). This variant is not present in population databases (gnomAD no frequency). This variant has not been reported in the literature in individuals affected with COL1A1-related conditions. ClinVar contains an entry for this variant (Variation ID: 1441799). Invitae Evidence Modeling of protein sequence and biophysical properties (such as structural, functional, and spatial information, amino acid conservation, physicochemical variation, residue mobility, and thermodynamic stability) indicates that this missense variant is not expected to disrupt COL1A1 protein function with a negative predictive value of 95%. In summary, the available evidence is currently insufficient to determine the role of this variant in disease. Therefore, it has been classified as a Variant of Uncertain Significance.